The following is an entry in ClinVar:

ClinVar aggregate classification (germline): Likely pathogenic (1 of 4 stars; one submission).

Conditions:
Developmental delay, impaired speech, and behavioral abnormalities. Identifiers: MedGen C5561957, MONDO:0859178, OMIM 619475.

Submission:

Rady Children's Institute for Genomic Medicine, Rady Children's Hospital San Diego
Classification: Likely pathogenic for Developmental delay, impaired speech, and behavioral abnormalities. Last evaluated: 2024-04-29. Review status: criteria provided, single submitter. Criteria: ACMG Guidelines, 2015. Collection method: clinical testing. Allele origin: germline. Affected: yes.
Comment: This nonsense variant found in exon 21 of 36 is predicted to result in loss of normal protein function through either protein truncation or nonsense-mediated mRNA decay. The SPTBN1 gene is constrained against loss-of-function variation (pLI = 1), and loss-of-function variants have been reported in individuals with disease (HGMD, ClinVar database; PMID: 34211179, 33847457). This variant has not been previously reported or functionally characterized in the literature to our knowledge. The c.4303G>T (p.Glu1435Ter) variant is absent from the gnomAD v4 population database and thus is presumed to be rare. Based on the available evidence, c.4303G>T (p.Glu1435Ter) is classified as Likely Pathogenic.

NM_003128.3(SPTBN1):c.4303G>T (p.Glu1435Ter)

Gene: SPTBN1 (spectrin beta, non-erythrocytic 1; plus strand). Cytogenetic location: 2p16.2.
Variant type: single nucleotide variant.
Coding change: c.4303G>T on transcript NM_003128.3 (MANE Select); coding-DNA position 4303, G replaced by T.
Protein change: p.Glu1435Ter; replaces glutamic acid 1435 with a stop codon.
Molecular consequence: nonsense.
Genome position (GRCh38, 1-based): chr2:54,645,262, G>T. VCF-style: chr2-54645262-G-T. GRCh37 (hg19) VCF-style: chr2-54872399-G-T.
Other names: c.4264G>T, p.Glu1422Ter (NM_178313.3); short protein forms E1422*, E1435*.
Identifiers: ClinVar variation 3773819 (VCV003773819.1).
Genomic context (GRCh38, chr2:54,645,262, plus strand): 5'-GCGCTGAGGCTGCTTCTCTGCCCTCAGATGCTGGAGAATCAGATGGAAGTGCGGAAGAAG[G>T]AGATCGAAGAGCTCCAAAGCCAAGCCCAGGCCCTGAGTCAGGAAGGGAAGAGCACCGACG-3'